The following is an entry in ClinVar:

ClinVar aggregate classification (germline): Pathogenic. Review status: criteria provided, multiple submitters, no conflicts (2 of 4 stars). 2 submissions from 2 submitters: Pathogenic (2). Last evaluated 2026-06-22.

Conditions:
Fanconi anemia (FA). Also called: Fanconi's anemia. Identifiers: Orphanet 84, MedGen C0015625, MeSH D005199, MONDO:0019391.
Fanconi anemia complementation group A (FANCA). Also called: Fanconi anemia, group A; FANCA-Related Fanconi Anemia. Identifiers: Orphanet 84, MedGen C3469521, MONDO:0009215, OMIM 227650.

Submissions (2):

Myriad Genetics, Inc.
Classification: Pathogenic for Fanconi anemia complementation group A. Last evaluated: 2026-06-22. Review status: criteria provided, single submitter. Criteria: Myriad Autosomal Dominant, Autosomal Recessive and X-Linked Classification Criteria (2023). Collection method: clinical testing. Allele origin: unknown.
Comment: NM_000135.2(FANCA):c.1821_1822insT(K608*) is a nonsense variant classified as pathogenic in the context of Fanconi anemia complementation group A. K608* has not been observed in cases with relevant disease. Relevant functional assessments of this variant are not available in the literature. K608* has not been observed in referenced population frequency databases. In summary, NM_000135.2(FANCA):c.1821_1822insT(K608*) is a nonsense variant in a gene where loss of function is a known mechanism of disease and is predicted to disrupt protein function. Please note: this variant was assessed in the context of healthy population screening.

Labcorp Genetics (formerly Invitae), Labcorp
Classification: Pathogenic for Fanconi anemia. Last evaluated: 2019-07-31. Review status: criteria provided, single submitter. Criteria: Invitae Variant Classification Sherloc (09022015). Collection method: clinical testing. Allele origin: germline.
Comment: This sequence change creates a premature translational stop signal (p.Lys608*) in the FANCA gene. It is expected to result in an absent or disrupted protein product. This variant is not present in population databases (ExAC no frequency). This variant has not been reported in the literature in individuals with FANCA-related conditions. Algorithms developed to predict the effect of sequence changes on RNA splicing suggest that this variant may create or strengthen a splice site, but this prediction has not been confirmed by published transcriptional studies. Loss-of-function variants in FANCA are known to be pathogenic (PMID: 19367192). For these reasons, this variant has been classified as Pathogenic.

Literature cited by the submitters: PubMed 19367192 (cited by Labcorp Genetics (formerly Invitae), Labcorp).

NM_000135.4(FANCA):c.1821_1822insT (p.Lys608Ter)

Gene: FANCA (FA complementation group A; minus strand). Cytogenetic location: 16q24.3.
Variant type: Insertion.
Coding change: c.1821_1822insT on transcript NM_000135.4 (MANE Select); coding-DNA positions 1821 to 1822, T inserted.
Protein change: p.Lys608Ter; replaces lysine 608 with a stop codon.
Molecular consequence: nonsense.
Genome position: GRCh38 VCF-style: chr16-89778805-T-TA. GRCh37 (hg19) VCF-style: chr16-89845213-T-TA.
Other names: c.1821_1822insT, p.Lys608Ter (NM_001286167.3); short protein forms K608*.
Identifiers: ClinVar variation 951719 (VCV000951719.8), dbSNP rs2039604081, ClinGen allele CA1139665020.
Genomic context (GRCh38, chr16:89,778,805, plus strand): 5'-CGCATTGTCAGAAGAAACCTGGAAGTAGTCATCCCCTTCTAACCGTTGCTGCATACCTCT[T>TA]CAGAGACTCTATAAACGCCACACGGGAGTCAGGGACTTTGGGGAGCTGTGGGAAGAGAAG-3'